The following is an entry in ClinVar:

NM_001940.4(ATN1):c.2463_2486dup (p.Glu830_Lys831insArgGluLysGluArgGluArgGlu)

Gene: ATN1 (atrophin 1; plus strand). Cytogenetic location: 12p13.31.
Variant type: Duplication.
Coding change: c.2463_2486dup on transcript NM_001940.4 (MANE Select); coding-DNA positions 2463 to 2486, 24 bases duplicated (GGAACGCGAGAAAGAGCGCGAGCG).
Protein change: p.Glu830_Lys831insArgGluLysGluArgGluArgGlu.
Molecular consequence: inframe insertion.
Genome position (GRCh38, 1-based): chr12:6,938,013-6,938,036, GGAACGCGAGAAAGAGCGCGAGCG duplicated; duplicating any 24 consecutive bases within chr12:6,938,002-6,938,036 gives the same sequence; the c. name uses the placement nearest the transcript's 3' end. VCF-style (leftmost placement, unchanged base first): chr12-6938001-C-CGAGCGCGAGCGGGAACGCGAGAAA. GRCh37 (hg19) VCF-style: chr12-7047164-C-CGAGCGCGAGCGGGAACGCGAGAAA.
Other names: c.2463_2486dup, p.Glu830_Lys831insArgGluLysGluArgGluArgGlu (NM_001007026.2).
Identifiers: ClinVar variation 1801899 (VCV001801899.1), dbSNP rs1555144120, ClinGen allele CA603487174.

ClinVar aggregate classification (germline): Uncertain significance (1 of 4 stars; one submission).

Submission:

GeneDx
Classification: Uncertain significance. Last evaluated: 2022-06-02. Review status: criteria provided, single submitter. Criteria: GeneDx Variant Classification Process June 2021. Collection method: clinical testing. Allele origin: germline. Affected: yes.
Comment: Not observed at significant frequency in large population cohorts (gnomAD); In-frame insertion of 8 amino acids in a non-repeat region; In silico analysis supports that this variant does not alter protein structure/function; Has not been previously published as pathogenic or benign to our knowledge